The following is an entry in ClinVar:

NM_001273.5(CHD4):c.5078AAC[1] (p.Gln1694del)

Genes: CHD4 (chromodomain helicase DNA binding protein 4; minus strand), CHD4-AS1 (CHD4 antisense RNA 1; plus strand). Cytogenetic location: 12p13.31.
Variant type: Microsatellite.
Coding change: c.5078AAC[1] on transcript NM_001273.5 (MANE Select); one copy of the 3-base unit AAC starting at c.5078; the reference has two copies in a row; one copy, 3 bases deleted; also written c.5081_5083del.
Protein change: p.Gln1694del; deletes glutamine 1694.
Genome position (GRCh38, 1-based): chr12:6,578,445-6,578,447, GTT deleted on the plus strand (AAC on the coding strand, the reverse complement: CHD4 is on the minus strand); deleting any 3 consecutive bases within chr12:6,578,445-6,578,450 gives the same sequence; the position shown is the placement nearest the transcript's 3' end. VCF-style (leftmost placement, unchanged base first): chr12-6578444-CGTT-C. GRCh37 (hg19) VCF-style: chr12-6687610-CGTT-C.
Other names: c.5057AAC[1], p.Gln1687del (NM_001297553.2); c.5045AAC[1], p.Gln1683del (NM_001363606.2); c.5081_5083del (NM_001273.2); c.5081_5083delAAC (NM_001273.5); short protein forms Q1683del, Q1687del, Q1694del.
Identifiers: ClinVar variation 3384834 (VCV003384834.2).
Genomic context (GRCh38, chr12:6,578,444, plus strand): 5'-CCTGGTGGGCCCCTCATTTCCATACCAGTAAAACCACCATCTGCAATGTTAAACATGAAA[CGTT>C]GTTTAATATTTTTCTTCTGTTTCTCATCATTCAGGTCCTTGGGGGTCTCTCCATTCTGAA-3'

ClinVar aggregate classification (germline): Uncertain significance. Review status: criteria provided, multiple submitters, no conflicts (2 of 4 stars). 2 submissions from 2 submitters: Uncertain significance (2). Last evaluated 2024-12-09.

Submissions (2):

GeneDx
Classification: Uncertain significance. Last evaluated: 2024-12-09. Review status: criteria provided, single submitter. Criteria: GeneDx Variant Classification Process June 2021. Collection method: clinical testing. Allele origin: germline. Affected: yes.
Comment: In-frame deletion of 1 amino acid(s) in a non-repeat region; In silico analysis supports a deleterious effect on protein structure/function; Has not been previously published as pathogenic or benign to our knowledge

Women's Health and Genetics/Laboratory Corporation of America, LabCorp
Classification: Uncertain significance. Last evaluated: 2024-10-08. Review status: criteria provided, single submitter. Criteria: LabCorp Variant Classification Summary - May 2015. Collection method: clinical testing. Allele origin: germline.
Comment: Variant summary: CHD4 c.5081_5083delAAC (p.Gln1694del) results in an in-frame deletion that is predicted to remove one amino acid from the encoded protein. The variant was absent in 251352 control chromosomes. The available data on variant occurrences in the general population are insufficient to allow any conclusion about variant significance. To our knowledge, no occurrence of c.5081_5083delAAC in individuals affected with Sifrim-Hitz Syndrome and no experimental evidence demonstrating its impact on protein function have been reported. No submitters have cited clinical-significance assessments for this variant to ClinVar. Based on the evidence outlined above, the variant was classified as uncertain significance.